The following is an entry in ClinVar:

ClinVar aggregate classification (germline): Uncertain significance (1 of 4 stars; one submission).

Conditions:
Duchenne muscular dystrophy (DMD). Also called: MUSCULAR DYSTROPHY, PSEUDOHYPERTROPHIC PROGRESSIVE, DUCHENNE TYPE; Duchenne Muscular Dystrophy (DMD). Identifiers: Orphanet 98896, MedGen C0013264, MONDO:0010679, OMIM 310200.

Submission:

Labcorp Genetics (formerly Invitae), Labcorp
Classification: Uncertain significance for Duchenne muscular dystrophy. Last evaluated: 2024-04-25. Review status: criteria provided, single submitter. Criteria: Invitae Variant Classification Sherloc (09022015). Collection method: clinical testing. Allele origin: germline.
Comment: This sequence change replaces glutamic acid, which is acidic and polar, with valine, which is neutral and non-polar, at codon 1128 of the DMD protein (p.Glu1128Val). This variant is not present in population databases (gnomAD no frequency). This variant has not been reported in the literature in individuals affected with DMD-related conditions. Advanced modeling of protein sequence and biophysical properties (such as structural, functional, and spatial information, amino acid conservation, physicochemical variation, residue mobility, and thermodynamic stability) performed at Invitae indicates that this missense variant is not expected to disrupt DMD protein function with a negative predictive value of 95%. In summary, the available evidence is currently insufficient to determine the role of this variant in disease. Therefore, it has been classified as a Variant of Uncertain Significance.

NM_004006.3(DMD):c.3383A>T (p.Glu1128Val)

Gene: DMD (dystrophin; minus strand). Cytogenetic location: Xp21.1.
Variant type: single nucleotide variant.
Coding change: c.3383A>T on transcript NM_004006.3 (MANE Select); coding-DNA position 3383, A replaced by T.
Protein change: p.Glu1128Val; replaces glutamic acid 1128 with valine.
Molecular consequence: missense variant.
Genome position (GRCh38, 1-based): chrX:32,463,488, T>A on the plus strand (A>T on the coding strand, the complement: DMD is on the minus strand). VCF-style: chrX-32463488-T-A. GRCh37 (hg19) VCF-style: chrX-32481605-T-A.
Other names: c.3359A>T, p.Glu1120Val (NM_000109.4); c.3371A>T, p.Glu1124Val (NM_004009.3); c.3014A>T, p.Glu1005Val (NM_004010.3); short protein forms E1120V, E1005V, E1124V, E1128V.
Identifiers: ClinVar variation 3634840 (VCV003634840.2).